The following is an entry in ClinVar:

NM_000301.5(PLG):c.745G>A (p.Asp249Asn)

Gene: PLG (plasminogen; plus strand). Cytogenetic location: 6q26.
Variant type: single nucleotide variant.
Coding change: c.745G>A on transcript NM_000301.5 (MANE Select); coding-DNA position 745, G replaced by A.
Protein change: p.Asp249Asn; replaces aspartic acid 249 with asparagine.
Molecular consequence: missense variant.
Genome position (GRCh38, 1-based): chr6:160,716,721, G>A. VCF-style: chr6-160716721-G-A. GRCh37 (hg19) VCF-style: chr6-161137753-G-A.
Other names: p.Asp249Asn; short protein forms D249N.
Identifiers: ClinVar variation 1693938 (VCV001693938.9), dbSNP rs532027310, ClinGen allele CA4087555.

ClinVar aggregate classification (germline): Uncertain significance. Review status: criteria provided, multiple submitters, no conflicts (2 of 4 stars). 4 submissions from 4 submitters: Uncertain significance (4). Last evaluated 2025-05-05.

Conditions:
Plasminogen deficiency, type I. Also called: Hypoplasminogenemia; Type 1 plasminogen deficiency. Identifiers: Orphanet 722, MedGen C1968804, MONDO:0009009, OMIM 217090.
Angioedema, hereditary, 4. Identifiers: MedGen C5543503, MONDO:0025712, OMIM 619360.
Inborn genetic diseases. Identifiers: MedGen C0950123, MeSH D030342.

Allele frequency attached by ClinVar (database versions not stated): 1000 Genomes Project 0.00020; 1000 Genomes Project 30x 0.00031.
gnomAD v4.1: 16 of 1,613,052 alleles (0.00099%); highest among the groups gnomAD compares: Admixed American, 0.0033%; no homozygotes.

Submissions (4):

Labcorp Genetics (formerly Invitae), Labcorp
Classification: Uncertain significance. Last evaluated: 2025-05-05. Review status: criteria provided, single submitter. Criteria: Invitae Variant Classification Sherloc (09022015). Collection method: clinical testing. Allele origin: germline.
Comment: This sequence change replaces aspartic acid, which is acidic and polar, with asparagine, which is neutral and polar, at codon 249 of the PLG protein (p.Asp249Asn). This variant is present in population databases (rs532027310, gnomAD 0.006%). This variant has not been reported in the literature in individuals affected with PLG-related conditions. ClinVar contains an entry for this variant (Variation ID: 1693938). Invitae Evidence Modeling of protein sequence and biophysical properties (such as structural, functional, and spatial information, amino acid conservation, physicochemical variation, residue mobility, and thermodynamic stability) indicates that this missense variant is not expected to disrupt PLG protein function with a negative predictive value of 80%. In summary, the available evidence is currently insufficient to determine the role of this variant in disease. Therefore, it has been classified as a Variant of Uncertain Significance.

Ambry Genetics
Classification: Uncertain significance for Inborn genetic diseases. Last evaluated: 2024-10-29. Review status: criteria provided, single submitter. Criteria: Ambry Variant Classification Scheme 2023. Collection method: clinical testing. Allele origin: germline.

Fulgent Genetics
Classification: Uncertain significance for Plasminogen deficiency, type I; Angioedema, hereditary, 4. Last evaluated: 2024-04-13. Review status: criteria provided, single submitter. Criteria: ACMG Guidelines, 2015. Collection method: clinical testing. Allele origin: germline.

Mayo Clinic Laboratories, Mayo Clinic
Classification: Uncertain significance. Last evaluated: 2021-04-12. Review status: criteria provided, single submitter. Criteria: ACMG Guidelines, 2015. Collection method: clinical testing. Allele origin: germline.